The following is an entry in ClinVar:

NM_000264.5(PTCH1):c.272_278dup (p.Tyr93Ter)

Gene: PTCH1 (patched 1; minus strand). Cytogenetic location: 9q22.32.
Variant type: Duplication.
Coding change: c.272_278dup on transcript NM_000264.5 (MANE Select); coding-DNA positions 272 to 278, 7 bases duplicated (GTTGTTA; older notation c.272_278dupGTTGTTA).
Protein change: p.Tyr93Ter; replaces tyrosine 93 with a stop codon.
Molecular consequence: nonsense. On other transcripts: 5 prime UTR variant (4), non-coding transcript variant (1).
Genome position (GRCh38, 1-based): chr9:95,506,523-95,506,529, TAACAAC duplicated on the plus strand (GTTGTTA on the coding strand, the reverse complement: PTCH1 is on the minus strand). VCF-style (leftmost placement, unchanged base first): chr9-95506522-G-GTAACAAC. GRCh37 (hg19) VCF-style: chr9-98268804-G-GTAACAAC.
Other names: c.74_80dup, p.Tyr27Ter (NM_001083602.3, NM_001354919.2); c.269_275dup, p.Tyr92Ter (NM_001083603.3); c.-182_-176dup (NM_001083604.3, NM_001083605.3, NM_001083606.3 and 1 more transcripts); c.272_278dup, p.Tyr93Ter (NM_001354918.2); short protein forms Y27*, Y92*, Y93*.
Identifiers: ClinVar variation 1406970 (VCV001406970.8), dbSNP rs2118878946, ClinGen allele CA2573144875.

ClinVar aggregate classification (germline): Pathogenic (1 of 4 stars; one submission).

Conditions:
Gorlin syndrome. Also called: Nevoid Basal Cell Carcinoma Syndrome; Basal cell nevus syndrome. Identifiers: Orphanet 377, MedGen C0004779, MONDO:0007187.

Submission:

Labcorp Genetics (formerly Invitae), Labcorp
Classification: Pathogenic for Gorlin syndrome. Last evaluated: 2020-12-07. Review status: criteria provided, single submitter. Criteria: Invitae Variant Classification Sherloc (09022015). Collection method: clinical testing. Allele origin: germline.
Comment: For these reasons, this variant has been classified as Pathogenic. This sequence change creates a premature translational stop signal (p.Tyr93*) in the PTCH1 gene. It is expected to result in an absent or disrupted protein product. Loss-of-function variants in PTCH1 are known to be pathogenic (PMID: 16301862, 16419085). This variant is not present in population databases (ExAC no frequency). This nonsense change has been observed in individual(s) with basal cell nevus syndrome (PMID: 11457640, 30411536). Algorithms developed to predict the effect of sequence changes on RNA splicing suggest that this variant may create or strengthen a splice site, but this prediction has not been confirmed by published transcriptional studies.

Literature cited by the submitters: PubMed 16301862; PubMed 16419085; PubMed 11457640; PubMed 30411536.